The following is an entry in ClinVar:

NM_001127.4(AP1B1):c.2453ACA[1] (p.Asn819del)

Gene: AP1B1 (adaptor related protein complex 1 subunit beta 1; minus strand). Cytogenetic location: 22q12.2.
Variant type: Microsatellite.
Coding change: c.2453ACA[1] on transcript NM_001127.4 (MANE Select); one copy of the 3-base unit ACA starting at c.2453; the reference has two copies in a row; one copy, 3 bases deleted.
Protein change: p.Asn819del; deletes asparagine 819.
Molecular consequence: inframe deletion.
Genome position (GRCh38, 1-based): chr22:29,331,515-29,331,517, TGT deleted on the plus strand (ACA on the coding strand, the reverse complement: AP1B1 is on the minus strand); deleting any 3 consecutive bases within chr22:29,331,515-29,331,521 gives the same sequence; the position shown is the placement nearest the transcript's 3' end. VCF-style (leftmost placement, unchanged base first): chr22-29331514-ATGT-A. GRCh37 (hg19) VCF-style: chr22-29727503-ATGT-A.
Other names: c.2372ACA[1], p.Asn792del (NM_001166019.2); c.2453ACA[1], p.Asn819del (NM_001378562.1); c.2432ACA[1], p.Asn812del (NM_001378563.1, NM_145730.3); c.2282ACA[1], p.Asn762del (NM_001378564.1); c.2261ACA[1], p.Asn755del (NM_001378565.1); c.2246ACA[1], p.Asn750del (NM_001378566.1); short protein forms N750del, N755del, N792del, N762del, N812del, N819del.
Identifiers: ClinVar variation 2267837 (VCV002267837.2), dbSNP rs2061557149, ClinGen allele CA2400527631.
Genomic context (GRCh38, chr22:29,331,514, plus strand): 5'-TTCCCGTCCTCCACAAAGAGGATGTGCAGTGGGTACAAGGTGCTGAAGTAGAAGACATCG[ATGT>A]TGTTCTTCACGGCCACCTAGGCACAAGGGGGTCCCCAGTCAGTCTCTGGGGCTTGACGCC-3'

ClinVar aggregate classification (germline): Uncertain significance (1 of 4 stars; one submission).

Conditions:
Inborn genetic diseases. Identifiers: MedGen C0950123, MeSH D030342.

Submission:

Ambry Genetics
Classification: Uncertain significance for Inborn genetic diseases. Last evaluated: 2022-02-14. Review status: criteria provided, single submitter. Criteria: Ambry Variant Classification Scheme 2023. Collection method: clinical testing. Allele origin: germline.
Comment: The c.2456_2458delACA (p.N819del) alteration is located in exon 19 (coding exon 18) of the AP1B1 gene. This alteration consists of an in-frame deletion of 3 nucleotides between nucleotide positions c.2456 and c.2458, resulting in the deletion of 1 residue. Based on insufficient or conflicting evidence, the clinical significance of this alteration remains unclear.